The following is an entry in ClinVar:

ClinVar aggregate classification (germline): Uncertain significance (1 of 4 stars; one submission).

gnomAD v4.1: 6 of 1,612,928 alleles (0.00037%); highest among the groups gnomAD compares: Admixed American, 0.01%; no homozygotes.

Submission:

Ambry Genetics
Classification: Uncertain significance. Last evaluated: 2026-03-11. Review status: criteria provided, single submitter. Criteria: Ambry Variant Classification Scheme 2023. Collection method: clinical testing. Allele origin: germline.
Comment: The c.14709G>C (p.Q4903H) alteration is located in exon 7 (coding exon 7) of the AHNAK2 gene. This alteration results from a G to C substitution at nucleotide position 14709, causing the glutamine (Q) at amino acid position 4903 to be replaced by a histidine (H). Based on data from gnomAD, the C allele has an overall frequency of 0.002% (6/248464) total alleles studied. The highest observed frequency was 0.017% (6/34494) of Latino alleles. Based on insufficient or conflicting evidence, the clinical significance of this alteration remains unclear.

NM_138420.4(AHNAK2):c.14709G>C (p.Gln4903His)

Gene: AHNAK2 (AHNAK nucleoprotein 2; minus strand). Cytogenetic location: 14q32.33.
Variant type: single nucleotide variant.
Coding change: c.14709G>C on transcript NM_138420.4 (MANE Select); coding-DNA position 14709, G replaced by C.
Protein change: p.Gln4903His; replaces glutamine 4903 with histidine.
Molecular consequence: missense variant.
Genome position (GRCh38, 1-based): chr14:104,940,742, C>G on the plus strand (G>C on the coding strand, the complement: AHNAK2 is on the minus strand). VCF-style: chr14-104940742-C-G. GRCh37 (hg19) VCF-style: chr14-105407079-C-G.
Other names: c.14409G>C, p.Gln4803His (NM_001350929.2); short protein forms Q4903H, Q4803H.
Identifiers: ClinVar variation 4828767 (VCV004828767.1).
Genomic context (GRCh38, chr14:104,940,742, plus strand): 5'-TTCTGGGCCCTGAGACACACAGGTGCCTGGGGATGGCAGCTGGGTGCTTGGCAAGGGGCA[C>G]TGCACTCTTTCTCCAGGGCTAAGAGGAGACATGACTGGGGCACCCACTGCTGCATGTAGG-3'
Protein context (NP_612429.2, residues 4893-4913): MSPLSPGERV[Gln4903His]CPLPSTQLPS